The following is an entry in ClinVar:

NM_002880.4(RAF1):c.616G>A (p.Val206Ile)

Gene: RAF1 (Raf-1 proto-oncogene, serine/threonine kinase; minus strand). Cytogenetic location: 3p25.2.
Variant type: single nucleotide variant.
Coding change: c.616G>A on transcript NM_002880.4 (MANE Select); coding-DNA position 616, G replaced by A.
Protein change: p.Val206Ile; replaces valine 206 with isoleucine.
Molecular consequence: missense variant. On other transcripts: non-coding transcript variant (3), intron variant (2).
Genome position (GRCh38, 1-based): chr3:12,606,265, C>T on the plus strand (G>A on the coding strand, the complement: RAF1 is on the minus strand). VCF-style: chr3-12606265-C-T. GRCh37 (hg19) VCF-style: chr3-12647764-C-T.
Other names: c.616G>A, p.Val206Ile (NM_001354689.3, NM_001354690.3); c.373G>A, p.Val125Ile (NM_001354691.3, NM_001354692.3, NM_001354694.3); c.339-1976G>A (NM_001354695.3); c.582-1976G>A (NM_001354693.3); short protein forms V206I, V125I.
Identifiers: ClinVar variation 957823 (VCV000957823.9), dbSNP rs2059026071, ClinGen allele CA351514790.

ClinVar aggregate classification (germline): Uncertain significance (1 of 4 stars; one submission).

Conditions:
RASopathy. Also called: rasopathies; Noonan spectrum disorder. Identifiers: Orphanet 536391, MedGen C5555857, MONDO:0021060.

Submission:

Labcorp Genetics (formerly Invitae), Labcorp
Classification: Uncertain significance for RASopathy. Last evaluated: 2019-09-30. Review status: criteria provided, single submitter. Criteria: Invitae Variant Classification Sherloc (09022015). Collection method: clinical testing. Allele origin: germline.
Comment: This sequence change replaces valine with isoleucine at codon 206 of the RAF1 protein (p.Val206Ile). The valine residue is moderately conserved and there is a small physicochemical difference between valine and isoleucine. This variant is not present in population databases (ExAC no frequency). This variant has not been reported in the literature in individuals with RAF1-related conditions. Algorithms developed to predict the effect of missense changes on protein structure and function (SIFT, PolyPhen-2, Align-GVGD) all suggest that this variant is likely to be tolerated, but these predictions have not been confirmed by published functional studies and their clinical significance is uncertain. In summary, the available evidence is currently insufficient to determine the role of this variant in disease. Therefore, it has been classified as a Variant of Uncertain Significance.